The following is an entry in ClinVar:

NM_144508.5(KNL1):c.250+551T>C

Gene: KNL1 (kinetochore scaffold 1; plus strand). Cytogenetic location: 15q15.1.
Variant type: single nucleotide variant.
Coding change: c.250+551T>C on transcript NM_144508.5 (MANE Select); 551 bases into the intron after coding-DNA position 250, T replaced by C.
Molecular consequence: intron variant. On other transcripts: synonymous variant (1).
Genome position (GRCh38, 1-based): chr15:40,610,848, T>C. VCF-style: chr15-40610848-T-C. GRCh37 (hg19) VCF-style: chr15-40903046-T-C.
Other names: c.300T>C, p.Phe100= (NM_170589.5).
Identifiers: ClinVar variation 4872276 (VCV004872276.2).

ClinVar aggregate classification (germline): Likely benign (1 of 4 stars; one submission).

Submission:

CeGaT Center for Human Genetics Tuebingen
Classification: Likely benign. Last evaluated: 2026-04-01. Review status: criteria provided, single submitter. Criteria: CeGaT Center For Human Genetics Tuebingen Variant Classification Criteria Version 2. Collection method: clinical testing. Allele origin: germline. Affected: yes. Observed: 1 variant allele.
Comment: KNL1: PM2:Supporting, BP4, BP7